The following is an entry in ClinVar:

NM_004006.3(DMD):c.9812A>G (p.Asn3271Ser)

Gene: DMD (dystrophin; minus strand). Cytogenetic location: Xp21.2.
Variant type: single nucleotide variant.
Coding change: c.9812A>G on transcript NM_004006.3 (MANE Select); coding-DNA position 9812, A replaced by G.
Protein change: p.Asn3271Ser; replaces asparagine 3271 with serine.
Molecular consequence: missense variant.
Genome position (GRCh38, 1-based): chrX:31,182,900, T>C on the plus strand (A>G on the coding strand, the complement: DMD is on the minus strand). VCF-style: chrX-31182900-T-C. GRCh37 (hg19) VCF-style: chrX-31201017-T-C.
Other names: c.9788A>G, p.Asn3263Ser (NM_000109.4); c.9800A>G, p.Asn3267Ser (NM_004009.3); c.9443A>G, p.Asn3148Ser (NM_004010.3); c.5789A>G, p.Asn1930Ser (NM_004011.4); c.5780A>G, p.Asn1927Ser (NM_004012.4); c.2432A>G, p.Asn811Ser (NM_004013.3, NM_004020.4, NM_004021.3 and 2 more transcripts); c.1625A>G, p.Asn542Ser (NM_004014.3); c.608A>G, p.Asn203Ser (NM_004015.3, NM_004016.3, NM_004017.3 and 2 more transcripts); short protein forms N1927S, N1930S, N203S, N3148S, N3263S, N3267S, N3271S, N542S.
Identifiers: ClinVar variation 1021267 (VCV001021267.11), dbSNP rs980324619, ClinGen allele CA328405796.

ClinVar aggregate classification (germline): Uncertain significance. Review status: criteria provided, single submitter (1 of 4 stars). 2 submissions from 2 submitters: Uncertain significance (1). 1 of the submissions does not count toward it. Last evaluated 2020-02-05.

Conditions:
Duchenne muscular dystrophy (DMD). Also called: MUSCULAR DYSTROPHY, PSEUDOHYPERTROPHIC PROGRESSIVE, DUCHENNE TYPE; Duchenne Muscular Dystrophy (DMD). Identifiers: Orphanet 98896, MedGen C0013264, MONDO:0010679, OMIM 310200.
Dystrophin deficiency.
Becker muscular dystrophy (BMD). Also called: MUSCULAR DYSTROPHY, PSEUDOHYPERTROPHIC PROGRESSIVE, BECKER TYPE; Becker Muscular Dystrophy (BMD). Identifiers: Orphanet 98895, MedGen C0917713, MONDO:0010311, OMIM 300376.
Cardiomyopathy (CMYO). Also called: Cardiomyopathies. Identifiers: Orphanet 167848, MedGen C0878544, MONDO:0004994, HP:0001638. Inheritance: Various modes of inheritance.

Allele frequency attached by ClinVar (database versions not stated): TOPMed below 0.00001.

Submissions (2):

Labcorp Genetics (formerly Invitae), Labcorp
Classification: Uncertain significance for Duchenne muscular dystrophy. Last evaluated: 2020-02-05. Review status: criteria provided, single submitter. Criteria: Invitae Variant Classification Sherloc (09022015). Collection method: clinical testing. Allele origin: germline.
Comment: In summary, the available evidence is currently insufficient to determine the role of this variant in disease. Therefore, it has been classified as a Variant of Uncertain Significance. Algorithms developed to predict the effect of sequence changes on RNA splicing suggest that this variant may create or strengthen a splice site, but this prediction has not been confirmed by published transcriptional studies. Algorithms developed to predict the effect of missense changes on protein structure and function are either unavailable or do not agree on the potential impact of this missense change (SIFT: "Deleterious"; PolyPhen-2: "Benign"; Align-GVGD: "Class C45"). This variant has not been reported in the literature in individuals with DMD-related conditions. This variant is not present in population databases (ExAC no frequency). This sequence change replaces asparagine with serine at codon 3271 of the DMD protein (p.Asn3271Ser). The asparagine residue is highly conserved and there is a small physicochemical difference between asparagine and serine.

Natera, Inc.
Classification: Uncertain significance for Becker muscular dystrophy; Cardiomyopathy; Duchenne muscular dystrophy; Dystrophin deficiency. Last evaluated: 2019-12-09. Review status: no assertion criteria provided. Collection method: clinical testing. Allele origin: germline. Not counted in ClinVar's aggregate classification.